The following is an entry in ClinVar:

ClinVar aggregate classification (germline): Likely benign. Review status: criteria provided, multiple submitters, no conflicts (2 of 4 stars). 4 submissions from 4 submitters: Likely benign (4). Last evaluated 2025-10-03.

Conditions:
Familial thoracic aortic aneurysm and aortic dissection (TAAD). Also called: Thoracic aortic aneurysms and dissections. Identifiers: Orphanet 91387, MedGen C4707243, MONDO:0019625.
Aortic aneurysm, familial thoracic 4 (AAT4). Also called: AORTIC ANEURYSM/AORTIC DISSECTION AND PATENT DUCTUS ARTERIOSUS. Identifiers: MedGen C1851504, MONDO:0007568, OMIM 132900.

Allele frequency attached by ClinVar (database versions not stated): gnomAD 0.00003 and 0.00004; gnomAD exomes 0.00003 and 0.00004; ExAC 0.00004; TOPMed 0.00004; 1000 Genomes Project 30x 0.00016; 1000 Genomes Project 0.00020.
gnomAD v4.1: 57 of 1,612,656 alleles (0.0035%); highest among the groups gnomAD compares: East Asian, 0.071%; no homozygotes.

Submissions (4):

Labcorp Genetics (formerly Invitae), Labcorp
Classification: Likely benign for Aortic aneurysm, familial thoracic 4. Last evaluated: 2025-10-03. Review status: criteria provided, single submitter. Criteria: Invitae Variant Classification Sherloc (09022015). Collection method: clinical testing. Allele origin: germline.

Blueprint Genetics
Classification: Likely benign. Last evaluated: 2024-10-14. Review status: criteria provided, single submitter. Criteria: ACMG Guidelines, 2015. Collection method: clinical testing. Allele origin: germline.

All of Us Research Program, National Institutes of Health
Classification: Likely benign for Familial thoracic aortic aneurysm and aortic dissection. Last evaluated: 2024-06-09. Review status: criteria provided, single submitter. Criteria: ACMG Guidelines, 2015. Collection method: clinical testing. Allele origin: germline. Inheritance: Autosomal dominant inheritance. Observed: 6 variant alleles, 6 heterozygotes.
Comment: This study involves interpretation of variants in research participants for the purpose of population health screening. Participant phenotype was not available at the time of variant classification. Additional details can be found in publication PMID: 35346344, PMCID: PMC8962531

Color Diagnostics, LLC DBA Color Health
Classification: Likely benign for Familial thoracic aortic aneurysm and aortic dissection. Last evaluated: 2019-03-22. Review status: criteria provided, single submitter. Criteria: ACMG Guidelines, 2015. Collection method: clinical testing. Allele origin: germline.

NM_002474.3(MYH11):c.5614-6C>T

Genes: MYH11 (myosin heavy chain 11; minus strand), NDE1 (nudE neurodevelopment protein 1; plus strand). Cytogenetic location: 16p13.11.
Variant type: single nucleotide variant.
Coding change: c.5614-6C>T on transcript NM_002474.3 (MANE Select); 6 bases into the intron before coding-DNA position 5614, C replaced by T.
Molecular consequence: intron variant.
Genome position (GRCh38, 1-based): chr16:15,715,087, G>A on the plus strand (C>T on the coding strand, the complement: MYH11 is on the minus strand). VCF-style: chr16-15715087-G-A. GRCh37 (hg19) VCF-style: chr16-15808944-G-A.
Other names: c.948-9104G>A (NM_001143979.2, NM_017668.3); c.5614-6C>T (NM_022844.3); c.5635-6C>T (NM_001040114.2, NM_001040113.2).
Identifiers: ClinVar variation 701425 (VCV000701425.14), dbSNP rs200522079, ClinGen allele CA7921186.